The following is an entry in ClinVar:

NM_174936.4(PCSK9):c.352C>T (p.Leu118Phe)

Gene: PCSK9 (proprotein convertase subtilisin/kexin type 9; plus strand). Cytogenetic location: 1p32.3.
Variant type: single nucleotide variant.
Coding change: c.352C>T on transcript NM_174936.4 (MANE Select); coding-DNA position 352, C replaced by T.
Protein change: p.Leu118Phe; replaces leucine 118 with phenylalanine.
Molecular consequence: missense variant.
Genome position (GRCh38, 1-based): chr1:55,043,987, C>T. VCF-style: chr1-55043987-C-T. GRCh37 (hg19) VCF-style: chr1-55509660-C-T.
Other names: short protein forms L118F.
Identifiers: ClinVar variation 921264 (VCV000921264.4), dbSNP rs72658891, ClinGen allele CA22795599.

ClinVar aggregate classification (germline): Uncertain significance. Review status: criteria provided, multiple submitters, no conflicts (2 of 4 stars). 2 submissions from 2 submitters: Uncertain significance (2). Last evaluated 2023-12-22.

Conditions:
Familial hypercholesterolemia. Also called: Familial hypercholesterolaemia. Identifiers: MedGen C0020445, MONDO:0005439.

Allele frequency attached by ClinVar (database versions not stated): gnomAD 0.00001 and 0.00002; TOPMed 0.00001; 1000 Genomes Project 30x 0.00031.
gnomAD v4.1: 3 of 1,614,244 alleles (0.00019%); highest among the groups gnomAD compares: Non-Finnish European, 0.00025%; no homozygotes.

Submissions (2):

Clinical Genetics Laboratory, Skane University Hospital Lund
Classification: Uncertain significance. Last evaluated: 2023-12-22. Review status: criteria provided, single submitter. Criteria: ACMG Guidelines, 2015. Collection method: clinical testing. Allele origin: germline. Affected: yes.

Color Diagnostics, LLC DBA Color Health
Classification: Uncertain significance for Familial hypercholesterolemia. Last evaluated: 2020-01-16. Review status: criteria provided, single submitter. Criteria: ACMG Guidelines, 2015. Collection method: clinical testing. Allele origin: germline.
Comment: This missense variant replaces leucine with phenylalanine at codon 118 of the PCSK9 protein. Computational prediction suggests that this variant may not impact protein structure and function (internally defined REVEL score threshold <= 0.5, PMID: 27666373). Splice site prediction tools suggest that this variant may not impact RNA splicing. To our knowledge, functional studies have not been performed for this variant. This variant has not been reported in individuals affected with familial hypercholesterolemia in the literature. This variant has not been identified in the general population by the Genome Aggregation Database (gnomAD). The available evidence is insufficient to determine the role of this variant in disease conclusively. Therefore, this variant is classified as a Variant of Uncertain Significance.